The following is an entry in ClinVar:

NM_152415.3(VPS37A):c.296C>A (p.Thr99Asn)

Gene: VPS37A (VPS37A subunit of ESCRT-I; plus strand). Cytogenetic location: 8p22.
Variant type: single nucleotide variant.
Coding change: c.296C>A on transcript NM_152415.3 (MANE Select); coding-DNA position 296, C replaced by A.
Protein change: p.Thr99Asn; replaces threonine 99 with asparagine.
Molecular consequence: missense variant.
Genome position (GRCh38, 1-based): chr8:17,268,353, C>A. VCF-style: chr8-17268353-C-A. GRCh37 (hg19) VCF-style: chr8-17125862-C-A.
Other names: c.221C>A, p.Thr74Asn (NM_001145152.2); c.296C>A, p.Thr99Asn (NM_001363167.1, NM_001363173.2); c.26C>A, p.Thr9Asn (NM_001363168.1, NM_001363169.1, NM_001363170.1 and 2 more transcripts); short protein forms T74N, T99N, T9N.
Identifiers: ClinVar variation 863407 (VCV000863407.6), dbSNP rs1813663437, ClinGen allele CA370406706.
Genomic context (GRCh38, chr8:17,268,353, plus strand): 5'-TGATCAGTGTTTATCCACCAATACGACATCACTTAATGGATAAACAAGGAGTGTATGTTA[C>A]CTCTCCATTAGTAAACAATGTATGTATATGGGATAATTTATTTCAGGGTAATATAATAGG-3'
Protein context (NP_689628.2, residues 89-109): HLMDKQGVYV[Thr99Asn]SPLVNNFTMH

ClinVar aggregate classification (germline): Uncertain significance (1 of 4 stars; one submission).

Conditions:
Hereditary spastic paraplegia 53. Also called: Spastic paraplegia 53, autosomal recessive. Identifiers: Orphanet 319199, MedGen C3539494, MONDO:0013962, OMIM 614898.

Submission:

Labcorp Genetics (formerly Invitae), Labcorp
Classification: Uncertain significance for Hereditary spastic paraplegia 53. Last evaluated: 2019-03-30. Review status: criteria provided, single submitter. Criteria: Invitae Variant Classification Sherloc (09022015). Collection method: clinical testing. Allele origin: germline.
Comment: This sequence change replaces threonine with asparagine at codon 99 of the VPS37A protein (p.Thr99Asn). The threonine residue is moderately conserved and there is a small physicochemical difference between threonine and asparagine. This variant is not present in population databases (ExAC no frequency). This variant has not been reported in the literature in individuals with VPS37A-related conditions. Algorithms developed to predict the effect of missense changes on protein structure and function (SIFT, PolyPhen-2, Align-GVGD) all suggest that this variant is likely to be tolerated, but these predictions have not been confirmed by published functional studies and their clinical significance is uncertain. In summary, the available evidence is currently insufficient to determine the role of this variant in disease. Therefore, it has been classified as a Variant of Uncertain Significance.